The following is an entry in ClinVar:

NM_000423.3(KRT2):c.474C>T (p.Ser158=)

Gene: KRT2 (keratin 2; minus strand). Cytogenetic location: 12q13.13.
Variant type: single nucleotide variant.
Coding change: c.474C>T on transcript NM_000423.3 (MANE Select); coding-DNA position 474, C replaced by T.
Protein change: p.Ser158=; no amino-acid change (serine 158 retained).
Molecular consequence: synonymous variant.
Genome position (GRCh38, 1-based): chr12:52,651,669, G>A on the plus strand (C>T on the coding strand, the complement: KRT2 is on the minus strand). VCF-style: chr12-52651669-G-A. GRCh37 (hg19) VCF-style: chr12-53045453-G-A.
Identifiers: ClinVar variation 881004 (VCV000881004.8), dbSNP rs372572918, ClinGen allele CA6585832.

ClinVar aggregate classification (germline): Benign/Likely benign. Review status: criteria provided, multiple submitters, no conflicts (2 of 4 stars). 3 submissions from 3 submitters: Benign (1); Likely benign (2). Last evaluated 2026-07-29.

Conditions:
Ichthyosis bullosa of Siemens (IBS). Also called: Superficial epidermolytic ichthyosis. Identifiers: Orphanet 455, MedGen C0432306, MONDO:0007813, OMIM 146800.
KRT2-related disorder. Also called: KRT2-related condition.

Allele frequency attached by ClinVar (database versions not stated): ESP Exome Variant Server 0.00008; ExAC 0.00013; gnomAD exomes 0.00014 and 0.00019; TOPMed 0.00019.
gnomAD v4.1: 287 of 1,613,826 alleles (0.018%); highest among the groups gnomAD compares: Non-Finnish European, 0.023%; no homozygotes.

Submissions (3):

PreventionGenetics, part of Exact Sciences
Classification: Likely benign for KRT2-related condition. Last evaluated: 2026-07-29. Review status: criteria provided, single submitter. Criteria: ACMG Guidelines, 2015. Collection method: clinical testing. Allele origin: germline.
Comment: This variant is classified as likely benign based on ACMG/AMP sequence variant interpretation guidelines (Richards et al. 2015 PMID: 25741868, with internal and published modifications).

Labcorp Genetics (formerly Invitae), Labcorp
Classification: Likely benign. Last evaluated: 2023-08-04. Review status: criteria provided, single submitter. Criteria: Invitae Variant Classification Sherloc (09022015). Collection method: clinical testing. Allele origin: germline.

Illumina Laboratory Services, Illumina
Classification: Benign for Ichthyosis bullosa of Siemens. Last evaluated: 2018-01-13. Review status: criteria provided, single submitter. Criteria: ICSL Variant Classification Criteria 13 December 2019. Collection method: clinical testing. Allele origin: germline.
Comment: This variant was observed in the ICSL laboratory as part of a predisposition screen in an ostensibly healthy population. It had not been previously curated by ICSL or reported in the Human Gene Mutation Database (HGMD: prior to June 1st, 2018), and was therefore a candidate for classification through an automated scoring system. Utilizing variant allele frequency, disease prevalence and penetrance estimates, and inheritance mode, an automated score was calculated to assess if this variant is too frequent to cause the disease. Based on the score and internal cut-off values, a variant classified as benign is not then subjected to further curation. The score for this variant resulted in a classification of benign for this disease.